The following is an entry in ClinVar:

ClinVar aggregate classification (germline): Uncertain significance. Review status: criteria provided, multiple submitters, no conflicts (2 of 4 stars). 2 submissions from 2 submitters: Uncertain significance (2). Last evaluated 2026-09-10.

Conditions:
Inborn genetic diseases. Identifiers: MedGen C0950123, MeSH D030342.

Allele frequency attached by ClinVar (database versions not stated): gnomAD exomes below 0.00001; TOPMed 0.00005.
gnomAD v4.1: 1 of 1,580,692 alleles (0.000063%); highest among the groups gnomAD compares: Non-Finnish European, 0.000086%; no homozygotes.

Submissions (2):

Ambry Genetics
Classification: Uncertain significance for Inborn genetic diseases. Last evaluated: 2026-09-10. Review status: criteria provided, single submitter. Criteria: Ambry Variant Classification Scheme 2023. Collection method: clinical testing. Allele origin: germline.

Labcorp Genetics (formerly Invitae), Labcorp
Classification: Uncertain significance. Last evaluated: 2022-10-05. Review status: criteria provided, single submitter. Criteria: Invitae Variant Classification Sherloc (09022015). Collection method: clinical testing. Allele origin: germline.
Comment: This sequence change replaces phenylalanine, which is neutral and non-polar, with leucine, which is neutral and non-polar, at codon 327 of the DOCK6 protein (p.Phe327Leu). This variant is not present in population databases (gnomAD no frequency). This variant has not been reported in the literature in individuals affected with DOCK6-related conditions. Advanced modeling of protein sequence and biophysical properties (such as structural, functional, and spatial information, amino acid conservation, physicochemical variation, residue mobility, and thermodynamic stability) performed at Invitae indicates that this missense variant is expected to disrupt DOCK6 protein function. In summary, the available evidence is currently insufficient to determine the role of this variant in disease. Therefore, it has been classified as a Variant of Uncertain Significance.

NM_020812.4(DOCK6):c.979T>C (p.Phe327Leu)

Gene: DOCK6 (dedicator of cytokinesis 6; minus strand). Cytogenetic location: 19p13.2.
Variant type: single nucleotide variant.
Coding change: c.979T>C on transcript NM_020812.4 (MANE Select); coding-DNA position 979, T replaced by C.
Protein change: p.Phe327Leu; replaces phenylalanine 327 with leucine.
Molecular consequence: missense variant.
Genome position (GRCh38, 1-based): chr19:11,245,607, A>G on the plus strand (T>C on the coding strand, the complement: DOCK6 is on the minus strand). VCF-style: chr19-11245607-A-G. GRCh37 (hg19) VCF-style: chr19-11356283-A-G.
Other names: c.979T>C, p.Phe327Leu (NM_001367830.1); c.979T>C (NM_020812.2); short protein forms F327L.
Identifiers: ClinVar variation 2159419 (VCV002159419.4), dbSNP rs958559140, ClinGen allele CA305344717.